The following is an entry in ClinVar:

NM_001366683.2(DOCK9):c.2751G>A (p.Ala917=)

Gene: DOCK9 (dedicator of cytokinesis 9; minus strand). Cytogenetic location: 13q32.3.
Variant type: single nucleotide variant.
Coding change: c.2751G>A on transcript NM_001366683.2 (MANE Select); coding-DNA position 2751, G replaced by A.
Protein change: p.Ala917=; no amino-acid change (alanine 917 retained).
Molecular consequence: synonymous variant.
Genome position (GRCh38, 1-based): chr13:98,880,667, C>T on the plus strand (G>A on the coding strand, the complement: DOCK9 is on the minus strand). VCF-style: chr13-98880667-C-T. GRCh37 (hg19) VCF-style: chr13-99532921-C-T.
Other names: c.2751G>A, p.Ala917= (NM_001130048.2, NM_001130050.2, NM_001366679.2 and 4 more transcripts); c.2754G>A, p.Ala918= (NM_001130049.2, NM_001318849.2, NM_015296.3); c.2787G>A, p.Ala929= (NM_001366676.2, NM_001366677.2, NM_001366678.2).
Identifiers: ClinVar variation 3770981 (VCV003770981.13).

ClinVar aggregate classification (germline): Likely benign (1 of 4 stars; one submission).

gnomAD v4.1: 575 of 1,613,242 alleles (0.036%); highest among the groups gnomAD compares: African/African-American, 0.63%; 3 homozygotes.

Submission:

CeGaT Center for Human Genetics Tuebingen
Classification: Likely benign. Last evaluated: 2024-12-01. Review status: criteria provided, single submitter. Criteria: CeGaT Center For Human Genetics Tuebingen Variant Classification Criteria Version 2. Collection method: clinical testing. Allele origin: germline. Affected: yes. Observed: 1 variant allele.
Comment: DOCK9: BP4, BP7